The following is an entry in ClinVar:

NM_004946.3(DOCK2):c.4769G>A (p.Arg1590Lys)

Gene: DOCK2 (dedicator of cytokinesis 2; plus strand). Cytogenetic location: 5q35.1.
Variant type: single nucleotide variant.
Coding change: c.4769G>A on transcript NM_004946.3 (MANE Select); coding-DNA position 4769, G replaced by A.
Protein change: p.Arg1590Lys; replaces arginine 1590 with lysine.
Molecular consequence: missense variant. On other transcripts: non-coding transcript variant (1).
Genome position (GRCh38, 1-based): chr5:170,075,987, G>A. VCF-style: chr5-170075987-G-A. GRCh37 (hg19) VCF-style: chr5-169502991-G-A.
Other names: c.4769G>A (NM_004946.2); short protein forms R1590K.
Identifiers: ClinVar variation 1479024 (VCV001479024.8), dbSNP rs747184048, ClinGen allele CA3554653.

ClinVar aggregate classification (germline): Uncertain significance. Review status: criteria provided, multiple submitters, no conflicts (2 of 4 stars). 2 submissions from 2 submitters: Uncertain significance (2). Last evaluated 2023-10-13.

Conditions:
Inborn genetic diseases. Identifiers: MedGen C0950123, MeSH D030342.
DOCK2 deficiency. Also called: Immunodeficiency 40. Identifiers: Orphanet 447737, MedGen C4225328, MONDO:0014637, OMIM 616433.

Allele frequency attached by ClinVar (database versions not stated): gnomAD exomes below 0.00001 and 0.00001; ExAC 0.00002.
gnomAD v4.1: 2 of 1,614,172 alleles (0.00012%); highest among the groups gnomAD compares: East Asian, 0.0022%; no homozygotes.

Submissions (2):

Labcorp Genetics (formerly Invitae), Labcorp
Classification: Uncertain significance for DOCK2 deficiency. Last evaluated: 2023-10-13. Review status: criteria provided, single submitter. Criteria: Invitae Variant Classification Sherloc (09022015). Collection method: clinical testing. Allele origin: germline.
Comment: This sequence change replaces arginine, which is basic and polar, with lysine, which is basic and polar, at codon 1590 of the DOCK2 protein (p.Arg1590Lys). This variant is present in population databases (rs747184048, gnomAD 0.01%). This variant has not been reported in the literature in individuals affected with DOCK2-related conditions. ClinVar contains an entry for this variant (Variation ID: 1479024). An algorithm developed to predict the effect of missense changes on protein structure and function (PolyPhen-2) suggests that this variant is likely to be tolerated. In summary, the available evidence is currently insufficient to determine the role of this variant in disease. Therefore, it has been classified as a Variant of Uncertain Significance.

Ambry Genetics
Classification: Uncertain significance for Inborn genetic diseases. Last evaluated: 2023-03-07. Review status: criteria provided, single submitter. Criteria: Ambry Variant Classification Scheme 2023. Collection method: clinical testing. Allele origin: germline.